The following is an entry in ClinVar:

NM_015488.5(PNKD):c.679C>G (p.Pro227Ala)

Genes: CATIP-AS2 (CATIP antisense RNA 2; minus strand), PNKD (PNKD metallo-beta-lactamase domain containing; plus strand). Cytogenetic location: 2q35.
Variant type: single nucleotide variant.
Coding change: c.679C>G on transcript NM_015488.5 (MANE Select); coding-DNA position 679, C replaced by G.
Protein change: p.Pro227Ala; replaces proline 227 with alanine.
Molecular consequence: missense variant.
Genome position (GRCh38, 1-based): chr2:218,342,042, C>G. VCF-style: chr2-218342042-C-G. GRCh37 (hg19) VCF-style: chr2-219206765-C-G.
Other names: c.607C>G, p.Pro203Ala (NM_022572.5); short protein forms P227A, P203A.
Identifiers: ClinVar variation 935363 (VCV000935363.7), dbSNP rs1360064508, ClinGen allele CA350541069.

ClinVar aggregate classification (germline): Uncertain significance (1 of 4 stars; one submission).

Conditions:
Paroxysmal nonkinesigenic dyskinesia. Also called: Paroxysmal non-kinesigenic dyskinesia. Identifiers: Orphanet 98810, MedGen C1869117, MONDO:0700088.

Allele frequency attached by ClinVar (database versions not stated): gnomAD 0.00001; TOPMed 0.00001.
gnomAD v4.1: 3 of 1,612,858 alleles (0.00019%); highest among the groups gnomAD compares: African/African-American, 0.004%; no homozygotes.

Submission:

Labcorp Genetics (formerly Invitae), Labcorp
Classification: Uncertain significance for Paroxysmal nonkinesigenic dyskinesia. Last evaluated: 2023-06-27. Review status: criteria provided, single submitter. Criteria: Invitae Variant Classification Sherloc (09022015). Collection method: clinical testing. Allele origin: germline.
Comment: In summary, the available evidence is currently insufficient to determine the role of this variant in disease. Therefore, it has been classified as a Variant of Uncertain Significance. Advanced modeling of protein sequence and biophysical properties (such as structural, functional, and spatial information, amino acid conservation, physicochemical variation, residue mobility, and thermodynamic stability) has been performed at Invitae for this missense variant, however the output from this modeling did not meet the statistical confidence thresholds required to predict the impact of this variant on PNKD protein function. ClinVar contains an entry for this variant (Variation ID: 935363). This variant has not been reported in the literature in individuals affected with PNKD-related conditions. This variant is present in population databases (no rsID available, gnomAD 0.007%). This sequence change replaces proline, which is neutral and non-polar, with alanine, which is neutral and non-polar, at codon 227 of the PNKD protein (p.Pro227Ala).